The following is an entry in ClinVar:

ClinVar aggregate classification (germline): Likely pathogenic. Review status: criteria provided, single submitter (1 of 4 stars). 2 submissions from 2 submitters: Likely pathogenic (1). 1 of the submissions does not count toward it. Last evaluated 2026-07-01.

Conditions:
Glycogen storage disease, type II (IOPD). Also called: POMPE DISEASE, INFANTILE-ONSET; GLYCOGEN STORAGE DISEASE II, INFANTILE-ONSET; ACID ALPHA-GLUCOSIDASE DEFICIENCY, INFANTILE-ONSET; GAA DEFICIENCY, INFANTILE-ONSET; ACID MALTASE DEFICIENCY, INFANTILE-ONSET; CARDIOMEGALIA GLYCOGENICA DIFFUSA. Identifiers: Orphanet 365, MedGen C0017921, MONDO:0009290, OMIM 232300.

Allele frequency attached by ClinVar (database versions not stated): TOPMed below 0.00001.

Submissions (2):

Genomenon, Inc
Classification: Likely pathogenic for Glycogen storage disease, type II. Last evaluated: 2026-07-01. Review status: criteria provided, single submitter. Criteria: Genomenon Sequence Variant Interpretation Standards - Updated. Collection method: curation. Allele origin: germline. Affected: yes.
Comment: GAA p.Val916Phe (c.2746G>T) is a missense variant that changes the amino acid at codon 916 from Valine to Phenylalanine. This variant has been observed in at least one proband with a GAA-related disorder in the compound heterozygous and/or homozygous state (PMID:24338761;34852371). At least one functional study has demonstrated a substantial alteration in protein function relative to the wild-type (PMID:22644586). It is absent or not present at a significant frequency in gnomAD. In silico models predict that this variant is possibly or probably damaging. In conclusion, we classify GAA p.Val916Phe (c.2746G>T) as a likely pathogenic variant.

Counsyl
Classification: Uncertain significance for Glycogen storage disease, type II. Last evaluated: 2018-02-01. Review status: no assertion criteria provided. Collection method: clinical testing. Allele origin: unknown. Not counted in ClinVar's aggregate classification.

Literature cited by the submitters: PubMed 24338761 (cited by Genomenon, Inc and Counsyl); PubMed 34852371 (cited by Genomenon, Inc); PubMed 22644586 (cited by Genomenon, Inc and Counsyl).

NM_000152.5(GAA):c.2746G>T (p.Val916Phe)

Gene: GAA (alpha glucosidase; plus strand). Cytogenetic location: 17q25.3.
Variant type: single nucleotide variant.
Coding change: c.2746G>T on transcript NM_000152.5 (MANE Select); coding-DNA position 2746, G replaced by T.
Protein change: p.Val916Phe; replaces valine 916 with phenylalanine.
Molecular consequence: missense variant.
Genome position (GRCh38, 1-based): chr17:80,118,752, G>T. VCF-style: chr17-80118752-G-T. GRCh37 (hg19) VCF-style: chr17-78092551-G-T.
Other names: c.2746G>T, p.Val916Phe (NM_001079803.3, NM_001079804.3); c.2746G>T (LRG_673t1); short protein forms V916F.
Identifiers: ClinVar variation 556487 (VCV000556487.3), dbSNP rs1221948995, ClinGen allele CA401327159.